The following is an entry in ClinVar:

ClinVar aggregate classification (germline): Uncertain significance (1 of 4 stars; one submission).

Submission:

Women's Health and Genetics/Laboratory Corporation of America, LabCorp
Classification: Uncertain significance. Last evaluated: 2024-11-08. Review status: criteria provided, single submitter. Criteria: LabCorp Variant Classification Summary - May 2015. Collection method: clinical testing. Allele origin: germline.
Comment: Variant summary: CHD1 c.4930C>G (p.Arg1644Gly) results in a non-conservative amino acid change in the encoded protein sequence. Four of five in-silico tools predict a damaging effect of the variant on protein function. The variant was absent in 251124 control chromosomes (gnomAD). The available data on variant occurrences in the general population are insufficient to allow any conclusion about variant significance. To our knowledge, no occurrence of c.4930C>G in individuals affected with Pilarowski-Bjornsson Syndrome and no experimental evidence demonstrating its impact on protein function have been reported. No submitters have cited clinical-significance assessments for this variant to ClinVar. Based on the evidence outlined above, the variant was classified as uncertain significance.

NM_001270.4(CHD1):c.4930C>G (p.Arg1644Gly)

Gene: CHD1 (chromodomain helicase DNA binding protein 1; minus strand). Cytogenetic location: 5q15.
Variant type: single nucleotide variant.
Coding change: c.4930C>G on transcript NM_001270.4 (MANE Select); coding-DNA position 4930, C replaced by G.
Protein change: p.Arg1644Gly; replaces arginine 1644 with glycine.
Molecular consequence: missense variant. On other transcripts: non-coding transcript variant (2).
Genome position (GRCh38, 1-based): chr5:98,856,583, G>C on the plus strand (C>G on the coding strand, the complement: CHD1 is on the minus strand). VCF-style: chr5-98856583-G-C. GRCh37 (hg19) VCF-style: chr5-98192287-G-C.
Other names: c.5194C>G, p.Arg1732Gly (NM_001364113.3); c.4930C>G, p.Arg1644Gly (NM_001376194.2); short protein forms R1644G, R1732G.
Identifiers: ClinVar variation 3629767 (VCV003629767.1).